The following is an entry in ClinVar:

NM_001009944.3(PKD1):c.7638dup (p.Phe2547fs)

Gene: PKD1 (polycystin 1, transient receptor potential channel interacting; minus strand). Cytogenetic location: 16p13.3.
Variant type: Duplication.
Coding change: c.7638dup on transcript NM_001009944.3 (MANE Select); coding-DNA position 7638, one base duplicated (C; older notation c.7638dupC).
Protein change: p.Phe2547fs; shifts the reading frame from phenylalanine 2547.
Molecular consequence: frameshift variant.
Genome position (GRCh38, 1-based): chr16:2,106,156, G duplicated on the plus strand (C on the coding strand, the reverse complement: PKD1 is on the minus strand). VCF-style (leftmost placement, unchanged base first): chr16-2106155-A-AG. GRCh37 (hg19) VCF-style: chr16-2156156-A-AG.
Other names: c.7638dup, p.Phe2547fs (NM_000296.4); short protein forms F2547fs.
Identifiers: ClinVar variation 1708156 (VCV001708156.1), dbSNP rs2544777576, ClinGen allele CA2580090938.

ClinVar aggregate classification (germline): Likely pathogenic (1 of 4 stars; one submission).

Conditions:
Polycystic kidney disease, adult type (PKD1). Also called: Polycystic Kidney, Autosomal Dominant; Polycystic Kidney Disease 1, Autosomal Dominant; Polycystic kidney disease 1; Polycystic kidney disease 1, severe; POLYCYSTIC KIDNEY DISEASE 1 WITH OR WITHOUT POLYCYSTIC LIVER DISEASE; POLYCYSTIC KIDNEY DISEASE, ADULT, TYPE I. Identifiers: MedGen C3149841, MONDO:0008263, OMIM 173900.

Submission:

Laboratory of Medical Genetics, National & Kapodistrian University of Athens
Classification: Likely pathogenic for Polycystic kidney disease, adult type. Last evaluated: 2022-05-04. Review status: criteria provided, single submitter. Criteria: ACMG Guidelines, 2015. Collection method: clinical testing. Allele origin: germline. Affected: yes.
Comment: PVS1, PM2